The following is an entry in ClinVar:

ClinVar aggregate classification (germline): Uncertain significance (1 of 4 stars; one submission).

Submission:

Labcorp Genetics (formerly Invitae), Labcorp
Classification: Uncertain significance. Last evaluated: 2024-02-02. Review status: criteria provided, single submitter. Criteria: Invitae Variant Classification Sherloc (09022015). Collection method: clinical testing. Allele origin: germline.
Comment: This variant, c.994_996dup, results in the insertion of 1 amino acid(s) of the WFS1 protein (p.Ile332dup), but otherwise preserves the integrity of the reading frame. This variant is not present in population databases (gnomAD no frequency). This variant has been observed in individual(s) with clinical features of WFS1-related conditions (Invitae). In at least one individual the data is consistent with being in trans (on the opposite chromosome) from a pathogenic variant. Experimental studies and prediction algorithms are not available or were not evaluated, and the functional significance of this variant is currently unknown. In summary, the available evidence is currently insufficient to determine the role of this variant in disease. Therefore, it has been classified as a Variant of Uncertain Significance.

NM_006005.3(WFS1):c.994_996dup (p.Ile332_Val333insIle)

Gene: WFS1 (wolframin ER transmembrane glycoprotein; plus strand). Cytogenetic location: 4p16.1.
Variant type: Duplication.
Coding change: c.994_996dup on transcript NM_006005.3 (MANE Select); coding-DNA positions 994 to 996, 3 bases duplicated (ATC; older notation c.994_996dupATC).
Protein change: p.Ile332_Val333insIle.
Molecular consequence: inframe insertion.
Genome position (GRCh38, 1-based): chr4:6,300,789-6,300,791, ATC duplicated; duplicating any 3 consecutive bases within chr4:6,300,787-6,300,791 gives the same sequence; the c. name uses the placement nearest the transcript's 3' end. VCF-style (leftmost placement, unchanged base first): chr4-6300786-T-TTCA. GRCh37 (hg19) VCF-style: chr4-6302513-T-TTCA.
Other names: c.994_996dup, p.Ile332_Val333insIle (NM_001145853.1).
Identifiers: ClinVar variation 2763322 (VCV002763322.3), dbSNP rs2474192388, ClinGen allele CA2697557065.